The following is an entry in ClinVar:

NM_012330.4(KAT6B):c.3632A>T (p.Asn1211Ile)

Gene: KAT6B (lysine acetyltransferase 6B; plus strand). Cytogenetic location: 10q22.2.
Variant type: single nucleotide variant.
Coding change: c.3632A>T on transcript NM_012330.4 (MANE Select); coding-DNA position 3632, A replaced by T.
Protein change: p.Asn1211Ile; replaces asparagine 1211 with isoleucine.
Molecular consequence: missense variant.
Genome position (GRCh38, 1-based): chr10:75,025,217, A>T. VCF-style: chr10-75025217-A-T. GRCh37 (hg19) VCF-style: chr10-76784975-A-T.
Other names: c.3083A>T, p.Asn1028Ile (NM_001256468.2, NM_001370138.1); c.2756A>T, p.Asn919Ile (NM_001256469.2, NM_001370139.1, NM_001370140.1 and 2 more transcripts); c.2594A>T, p.Asn865Ile (NM_001370132.1); c.1943A>T, p.Asn648Ile (NM_001370133.1); c.1547A>T, p.Asn516Ile (NM_001370134.1); c.1289A>T, p.Asn430Ile (NM_001370135.1); c.3632A>T, p.Asn1211Ile (NM_001370136.1, NM_001370137.1); c.2567A>T, p.Asn856Ile (NM_001370143.1, NM_001370144.1); short protein forms N516I, N865I, N1211I, N648I, N856I, N1028I, N430I, N919I.
Identifiers: ClinVar variation 2720326 (VCV002720326.3), dbSNP rs1446113975, ClinGen allele CA377288924.

ClinVar aggregate classification (germline): Uncertain significance (1 of 4 stars; one submission).

Conditions:
Genitopatellar syndrome (GTPTS). Also called: ABSENT PATELLAE, SCROTAL HYPOPLASIA, RENAL ANOMALIES, FACIAL DYSMORPHISM, AND MENTAL RETARDATION; Genitopatellar syndrome (GPS). Identifiers: Orphanet 85201, MedGen C1853566, MONDO:0011640, OMIM 606170.

Allele frequency attached by ClinVar (database versions not stated): TOPMed 0.00001; gnomAD 0.00001.
gnomAD v4.1: 12 of 1,614,086 alleles (0.00074%); highest among the groups gnomAD compares: Non-Finnish European, 0.00093%; no homozygotes.

Submission:

Labcorp Genetics (formerly Invitae), Labcorp
Classification: Uncertain significance for Genitopatellar syndrome. Last evaluated: 2023-02-21. Review status: criteria provided, single submitter. Criteria: Invitae Variant Classification Sherloc (09022015). Collection method: clinical testing. Allele origin: germline.
Comment: Advanced modeling of protein sequence and biophysical properties (such as structural, functional, and spatial information, amino acid conservation, physicochemical variation, residue mobility, and thermodynamic stability) performed at Invitae indicates that this missense variant is not expected to disrupt KAT6B protein function. In summary, the available evidence is currently insufficient to determine the role of this variant in disease. Therefore, it has been classified as a Variant of Uncertain Significance. This variant has not been reported in the literature in individuals affected with KAT6B-related conditions. This variant is present in population databases (no rsID available, gnomAD 0.0009%). This sequence change replaces asparagine, which is neutral and polar, with isoleucine, which is neutral and non-polar, at codon 1211 of the KAT6B protein (p.Asn1211Ile).